The following is an entry in ClinVar:

ClinVar aggregate classification (germline): drug response (0 of 4 stars; one submission).

Conditions:
Suxamethonium response - slow metabolism.

Allele frequency attached by ClinVar (database versions not stated): ExAC 0.00001; gnomAD exomes 0.00002.

Submission:

Centre for Translational Omics - GOSgene, University College London
Classification: drug response for Suxamethonium response - slow metabolism. Last evaluated: 2018-03-16. Review status: no assertion criteria provided. Collection method: clinical testing. Allele origin: inherited. Affected: yes.
Comment: Functional biochemical assay used to show reduced enzymatic activity in patient

NM_000055.4(BCHE):c.2T>C (p.Met1Thr)

Gene: BCHE (butyrylcholinesterase; minus strand). Cytogenetic location: 3q26.1.
Variant type: single nucleotide variant.
Coding change: c.2T>C on transcript NM_000055.4 (MANE Select); coding-DNA position 2, T replaced by C.
Protein change: p.Met1Thr; changes the start codon (methionine 1).
Molecular consequence: missense variant, initiator codon variant. On other transcripts: non-coding transcript variant (1).
Genome position (GRCh38, 1-based): chr3:165,831,032, A>G on the plus strand (T>C on the coding strand, the complement: BCHE is on the minus strand). VCF-style: chr3-165831032-A-G. GRCh37 (hg19) VCF-style: chr3-165548820-A-G.
Other names: short protein forms M1T.
Identifiers: ClinVar variation 547170 (VCV000547170.2), dbSNP rs751910853, ClinGen allele CA2692583.
Genomic context (GRCh38, chr3:165,831,032, plus strand): 5'-ATGCAGAGCAAAAGAAACCAAAAGAGAAATCTGATGCATATGATTGTGACTTTGCTATGC[A>G]TATTGATTTCTGAAAGAGAGGTAAGTATAATGTTTTATAAGCCTTCTGCATATAGCATAT-3'
Protein context (NP_000046.1, residues 1-11): [Met1Thr]HSKVTIICIR